The following is an entry in ClinVar:

ClinVar aggregate classification (germline): Likely pathogenic (1 of 4 stars; one submission).

Submission:

Labcorp Genetics (formerly Invitae), Labcorp
Classification: Likely pathogenic. Last evaluated: 2020-10-19. Review status: criteria provided, single submitter. Criteria: Invitae Variant Classification Sherloc (09022015). Collection method: clinical testing. Allele origin: germline.
Comment: This sequence change affects an acceptor splice site in intron 46 of the COL2A1 gene. It is expected to disrupt RNA splicing. Variants that disrupt the donor or acceptor splice site typically lead to a loss of protein function (PMID: 16199547), and loss-of-function variants in COL2A1 are known to be pathogenic (PMID: 20179744). This variant is not present in population databases (ExAC no frequency). This variant has been observed in individual(s) with Stickler syndrome (PMID: 26443184). In summary, the currently available evidence indicates that the variant is pathogenic, but additional data are needed to prove that conclusively. Therefore, this variant has been classified as Likely Pathogenic.

Literature cited by the submitters: PubMed 16199547; PubMed 20179744; PubMed 26443184.

NM_001844.5(COL2A1):c.3274-2A>G

Gene: COL2A1 (collagen type II alpha 1 chain; minus strand). Cytogenetic location: 12q13.11.
Variant type: single nucleotide variant.
Coding change: c.3274-2A>G on transcript NM_001844.5 (MANE Select); the canonical splice acceptor site of the intron before coding-DNA position 3274, A replaced by G.
Molecular consequence: splice acceptor variant.
Genome position (GRCh38, 1-based): chr12:47,977,157, T>C on the plus strand (A>G on the coding strand, the complement: COL2A1 is on the minus strand). VCF-style: chr12-47977157-T-C. GRCh37 (hg19) VCF-style: chr12-48370940-T-C.
Other names: c.3067-2A>G (NM_033150.3).
Identifiers: ClinVar variation 1066147 (VCV001066147.9), dbSNP rs2136520141, ClinGen allele CA384539828.